The following is an entry in ClinVar:

ClinVar aggregate classification (germline): Conflicting classifications of pathogenicity. Review status: criteria provided, conflicting classifications (1 of 4 stars). 5 submissions from 4 submitters: Uncertain significance (4); Likely benign (1). Last evaluated 2026-09-21.

Conditions:
Familial hypobetalipoproteinemia 1. Also called: APOB-Related Familial Hypobetalipoproteinemia; Hypobetalipoproteinemia, normotriglyceridemic; Acanthocytosis with hypobetalipoproteinemia. Identifiers: MedGen C4551990, MONDO:0014252, OMIM 615558.
Hypercholesterolemia, autosomal dominant, type B (FHCL2). Also called: Familial Hypercholesterolemia Type B; APOLIPOPROTEIN B-100, FAMILIAL DEFECTIVE; APOLIPOPROTEIN B-100, FAMILIAL LIGAND-DEFECTIVE; HYPERCHOLESTEROLEMIA, FAMILIAL, DUE TO LIGAND-DEFECTIVE APOLIPOPROTEIN B; Familial hypercholesterolemia 2; APOB-Related Familial Hypercholesterolemia, Autosomal Dominant. Identifiers: MedGen C1704417, MONDO:0007751, OMIM 144010.
Cardiovascular phenotype. Identifiers: MedGen CN230736.

Allele frequency attached by ClinVar (database versions not stated): gnomAD exomes below 0.00001 and 0.00001; TOPMed below 0.00001.
gnomAD v4.1: 4 of 1,614,072 alleles (0.00025%); highest among the groups gnomAD compares: Non-Finnish European, 0.00034%; no homozygotes.

Submissions (5):

Molecular Diagnostic Laboratory for Inherited Cardiovascular Disease, Montreal Heart Institute
Classification: Uncertain significance for Cardiovascular phenotype. Last evaluated: 2026-09-21. Review status: criteria provided, single submitter. Criteria: ACMG Guidelines, 2015. Collection method: clinical testing. Allele origin: germline. Affected: yes.
Comment: PM2

Ambry Genetics
Classification: Likely benign for Cardiovascular phenotype. Last evaluated: 2025-01-31. Review status: criteria provided, single submitter. Criteria: Ambry Variant Classification Scheme 2023. Collection method: clinical testing. Allele origin: germline.

Fulgent Genetics
Classification: Uncertain significance for Hypercholesterolemia, autosomal dominant, type B; Familial hypobetalipoproteinemia 1. Last evaluated: 2021-10-13. Review status: criteria provided, single submitter. Criteria: ACMG Guidelines, 2015. Collection method: clinical testing. Allele origin: unknown.

Illumina Laboratory Services, Illumina
Classification: Uncertain significance for Hypercholesterolemia, autosomal dominant, type B. Last evaluated: 2018-01-13. Review status: criteria provided, single submitter. Criteria: ICSL Variant Classification Criteria 13 December 2019. Collection method: clinical testing. Allele origin: germline.

Illumina Laboratory Services, Illumina
Classification: Uncertain significance for Familial hypobetalipoproteinemia 1. Last evaluated: 2018-01-13. Review status: criteria provided, single submitter. Criteria: ICSL Variant Classification Criteria 13 December 2019. Collection method: clinical testing. Allele origin: germline.

NM_000384.3(APOB):c.10314G>T (p.Met3438Ile)

Gene: APOB (apolipoprotein B; minus strand). Cytogenetic location: 2p24.1.
Variant type: single nucleotide variant.
Coding change: c.10314G>T on transcript NM_000384.3 (MANE Select); coding-DNA position 10314, G replaced by T.
Protein change: p.Met3438Ile; replaces methionine 3438 with isoleucine.
Molecular consequence: missense variant.
Genome position (GRCh38, 1-based): chr2:21,006,554, C>A on the plus strand (G>T on the coding strand, the complement: APOB is on the minus strand). VCF-style: chr2-21006554-C-A. GRCh37 (hg19) VCF-style: chr2-21229426-C-A.
Other names: short protein forms M3438I.
Identifiers: ClinVar variation 684857 (VCV000684857.10), dbSNP rs761164094, ClinGen allele CA43496054.